The following is an entry in ClinVar:

ClinVar aggregate classification (germline): Likely pathogenic (1 of 4 stars; one submission).

Submission:

GeneDx
Classification: Likely pathogenic. Last evaluated: 2024-10-23. Review status: criteria provided, single submitter. Criteria: GeneDx Variant Classification Process June 2021. Collection method: clinical testing. Allele origin: germline. Affected: yes.
Comment: Reported in an adult patient in the published literature with moderate developmental delay and mild myoclonus dystonia (PMID: 36987741); In silico analysis supports that this missense variant has a deleterious effect on protein structure/function; Not observed at significant frequency in large population cohorts (gnomAD); This variant is associated with the following publications: (PMID: 35982159, 36959051, 33057194, 36717740, 36987741)

NM_007118.4(TRIO):c.3371T>C (p.Leu1124Ser)

Gene: TRIO (trio Rho guanine nucleotide exchange factor; plus strand). Cytogenetic location: 5p15.2.
Variant type: single nucleotide variant.
Coding change: c.3371T>C on transcript NM_007118.4 (MANE Select); coding-DNA position 3371, T replaced by C.
Protein change: p.Leu1124Ser; replaces leucine 1124 with serine.
Molecular consequence: missense variant. On other transcripts: non-coding transcript variant (1).
Genome position (GRCh38, 1-based): chr5:14,378,051, T>C. VCF-style: chr5-14378051-T-C. GRCh37 (hg19) VCF-style: chr5-14378160-T-C.
Other names: short protein forms L1124S.
Identifiers: ClinVar variation 3897248 (VCV003897248.1).